The following is an entry in ClinVar:

ClinVar aggregate classification (germline): Pathogenic. Review status: criteria provided, multiple submitters, no conflicts (2 of 4 stars). 4 submissions from 4 submitters: Pathogenic (4). Last evaluated 2024-05-07.

Conditions:
USH2A-related disorder. Also called: USH2A-related disorders; USH2A-related condition. Identifiers: MedGen CN239332.
Retinitis pigmentosa 39 (RP39). Identifiers: Orphanet 791, MedGen C3151138, MONDO:0013436, OMIM 613809.
Usher syndrome type 2A. Also called: RETINAL DISEASE IN USHER SYNDROME TYPE IIA, MODIFIER OF; USHER SYNDROME, TYPE IIA. Identifiers: Orphanet 231178, Orphanet 886, MedGen C1848634, MONDO:0010169, OMIM 276901.

Submissions (4):

Fulgent Genetics
Classification: Pathogenic for Usher syndrome type 2A; Retinitis pigmentosa 39. Last evaluated: 2024-05-07. Review status: criteria provided, single submitter. Criteria: ACMG Guidelines, 2015. Collection method: clinical testing. Allele origin: germline.

Baylor Genetics
Classification: Pathogenic for Retinitis pigmentosa 39. Last evaluated: 2024-03-02. Review status: criteria provided, single submitter. Criteria: ACMG Guidelines, 2015. Collection method: clinical testing. Allele origin: unknown.

Blueprint Genetics
Classification: Pathogenic for USH2A-related disorders. Last evaluated: 2024-01-12. Review status: criteria provided, single submitter. Criteria: ACMG Guidelines, 2015. Collection method: clinical testing. Allele origin: germline. Affected: yes. Observed: 2 variant alleles.

Labcorp Genetics (formerly Invitae), Labcorp
Classification: Pathogenic. Last evaluated: 2022-08-23. Review status: criteria provided, single submitter. Criteria: Invitae Variant Classification Sherloc (09022015). Collection method: clinical testing. Allele origin: germline.
Comment: For these reasons, this variant has been classified as Pathogenic. Algorithms developed to predict the effect of sequence changes on RNA splicing suggest that this variant may disrupt the consensus splice site. ClinVar contains an entry for this variant (Variation ID: 943376). Disruption of this splice site has been observed in individual(s) with USH2A-related conditions (PMID: 31054281, 32188678). This variant is not present in population databases (gnomAD no frequency). This sequence change affects an acceptor splice site in intron 41 of the USH2A gene. It is expected to disrupt RNA splicing. Variants that disrupt the donor or acceptor splice site typically lead to a loss of protein function (PMID: 16199547), and loss-of-function variants in USH2A are known to be pathogenic (PMID: 10729113, 10909849, 20507924, 25649381).

Literature cited by the submitters: PubMed 31054281 (cited by Labcorp Genetics (formerly Invitae), Labcorp); PubMed 32188678 (cited by Labcorp Genetics (formerly Invitae), Labcorp); PubMed 16199547 (cited by Labcorp Genetics (formerly Invitae), Labcorp); PubMed 10729113 (cited by Labcorp Genetics (formerly Invitae), Labcorp); PubMed 10909849 (cited by Labcorp Genetics (formerly Invitae), Labcorp); PubMed 20507924 (cited by Labcorp Genetics (formerly Invitae), Labcorp); PubMed 25649381 (cited by Labcorp Genetics (formerly Invitae), Labcorp).

NM_206933.4(USH2A):c.8224-1G>C

Gene: USH2A (usherin; minus strand). Cytogenetic location: 1q41.
Variant type: single nucleotide variant.
Coding change: c.8224-1G>C on transcript NM_206933.4 (MANE Select); the canonical splice acceptor site of the intron before coding-DNA position 8224, G replaced by C.
Molecular consequence: splice acceptor variant.
Genome position (GRCh38, 1-based): chr1:215,879,099, C>G on the plus strand (G>C on the coding strand, the complement: USH2A is on the minus strand). VCF-style: chr1-215879099-C-G. GRCh37 (hg19) VCF-style: chr1-216052441-C-G.
Identifiers: ClinVar variation 943376 (VCV000943376.12), dbSNP rs1664846558, ClinGen allele CA344832840.